The following is an entry in ClinVar:

NM_032551.5(KISS1R):c.312G>A (p.Pro104=)

Gene: KISS1R (KISS1 receptor; plus strand). Cytogenetic location: 19p13.3.
Variant type: single nucleotide variant.
Coding change: c.312G>A on transcript NM_032551.5 (MANE Select); coding-DNA position 312, G replaced by A.
Protein change: p.Pro104=; no amino-acid change (proline 104 retained).
Molecular consequence: synonymous variant.
Genome position (GRCh38, 1-based): chr19:918,611, G>A. VCF-style: chr19-918611-G-A. GRCh37 (hg19) VCF-style: chr19-918611-G-A.
Identifiers: ClinVar variation 2648880 (VCV002648880.24), dbSNP rs1465449676, ClinGen allele CA504679126.

ClinVar aggregate classification (germline): Likely benign (1 of 4 stars; one submission).

Submission:

CeGaT Center for Human Genetics Tuebingen
Classification: Likely benign. Last evaluated: 2022-10-01. Review status: criteria provided, single submitter. Criteria: CeGaT Center For Human Genetics Tuebingen Variant Classification Criteria Version 2. Collection method: clinical testing. Allele origin: germline. Affected: yes. Observed: 1 variant allele.
Comment: KISS1R: PM2:Supporting, BP4, BP7